The following is an entry in ClinVar:

ClinVar aggregate classification (germline): Uncertain significance. Review status: criteria provided, multiple submitters, no conflicts (2 of 4 stars). 3 submissions from 3 submitters: Uncertain significance (3). Last evaluated 2025-09-01.

Conditions:
FLNB-related disorder. Also called: FLNB-related condition; FLNB-related disorders. Identifiers: MedGen CN381095.
Inborn genetic diseases. Identifiers: MedGen C0950123, MeSH D030342.

gnomAD v4.1: 1 of 1,614,214 alleles (0.000062%); highest among the groups gnomAD compares: Non-Finnish European, 0.000085%; no homozygotes.

Submissions (3):

Labcorp Genetics (formerly Invitae), Labcorp
Classification: Uncertain significance. Last evaluated: 2025-09-01. Review status: criteria provided, single submitter. Criteria: Invitae Variant Classification Sherloc (09022015). Collection method: clinical testing. Allele origin: germline.
Comment: This sequence change replaces arginine, which is basic and polar, with proline, which is neutral and non-polar, at codon 566 of the FLNB protein (p.Arg566Pro). This variant is not present in population databases (gnomAD no frequency). This variant has not been reported in the literature in individuals affected with FLNB-related conditions. ClinVar contains an entry for this variant (Variation ID: 2266559). Invitae Evidence Modeling of protein sequence and biophysical properties (such as structural, functional, and spatial information, amino acid conservation, physicochemical variation, residue mobility, and thermodynamic stability) has been performed for this missense variant. However, the output from this modeling did not meet the statistical confidence thresholds required to predict the impact of this variant on FLNB protein function. In summary, the available evidence is currently insufficient to determine the role of this variant in disease. Therefore, it has been classified as a Variant of Uncertain Significance.

PreventionGenetics, part of Exact Sciences
Classification: Uncertain significance for FLNB-related condition. Last evaluated: 2023-01-19. Review status: criteria provided, single submitter. Criteria: ACMG Guidelines, 2015. Collection method: clinical testing. Allele origin: germline.
Comment: The FLNB c.1697G>C variant is predicted to result in the amino acid substitution p.Arg566Pro. To our knowledge, this variant has not been reported in the literature or in a large population database, indicating this variant is rare. At this time, the clinical significance of this variant is uncertain due to the absence of conclusive functional and genetic evidence.

Ambry Genetics
Classification: Uncertain significance for Inborn genetic diseases. Last evaluated: 2021-12-13. Review status: criteria provided, single submitter. Criteria: Ambry Variant Classification Scheme 2023. Collection method: clinical testing. Allele origin: germline.

NM_001457.4(FLNB):c.1697G>C (p.Arg566Pro)

Gene: FLNB (filamin B; plus strand). Cytogenetic location: 3p14.3.
Variant type: single nucleotide variant.
Coding change: c.1697G>C on transcript NM_001457.4 (MANE Select); coding-DNA position 1697, G replaced by C.
Protein change: p.Arg566Pro; replaces arginine 566 with proline.
Molecular consequence: missense variant.
Genome position (GRCh38, 1-based): chr3:58,105,166, G>C. VCF-style: chr3-58105166-G-C. GRCh37 (hg19) VCF-style: chr3-58090893-G-C.
Other names: c.1697G>C, p.Arg566Pro (NM_001164317.2, NM_001164318.2, NM_001164319.2); short protein forms R566P.
Identifiers: ClinVar variation 2266559 (VCV002266559.6), dbSNP rs150747960, ClinGen allele CA353339316.